The following is an entry in ClinVar:

NM_000388.4(CASR):c.725T>C (p.Leu242Pro)

Gene: CASR (calcium sensing receptor; plus strand). Cytogenetic location: 3q21.1.
Variant type: single nucleotide variant.
Coding change: c.725T>C on transcript NM_000388.4 (MANE Select); coding-DNA position 725, T replaced by C.
Protein change: p.Leu242Pro; replaces leucine 242 with proline.
Molecular consequence: missense variant.
Genome position (GRCh38, 1-based): chr3:122,261,760, T>C. VCF-style: chr3-122261760-T-C. GRCh37 (hg19) VCF-style: chr3-121980607-T-C.
Other names: p.Leu242Pro; c.725T>C, p.Leu242Pro (NM_001178065.2); short protein forms L242P.
Identifiers: ClinVar variation 1319285 (VCV001319285.12), dbSNP rs1064794676, ClinGen allele CA354151220.

ClinVar aggregate classification (germline): Conflicting classifications of pathogenicity. Review status: criteria provided, conflicting classifications (1 of 4 stars). 6 submissions from 6 submitters: Likely pathogenic (1); Uncertain significance (5). Last evaluated 2025-09-08.

Conditions:
CASR-related disorder. Also called: CASR-related condition.
Nephrolithiasis/nephrocalcinosis. Identifiers: MedGen CN580796.
Familial hypocalciuric hypercalcemia (FHH). Also called: Familial benign hypercalcemia. Identifiers: Orphanet 405, MedGen C1809471, MONDO:0018458.
Autosomal dominant hypocalcemia 1 (HYPOC1). Also called: HYPOCALCEMIA, FAMILIAL. Identifiers: MedGen C3715128, MONDO:0011013, OMIM 601198.

Submissions (6):

Labcorp Genetics (formerly Invitae), Labcorp
Classification: Likely pathogenic for Familial hypocalciuric hypercalcemia; Autosomal dominant hypocalcemia 1. Last evaluated: 2025-09-08. Review status: criteria provided, single submitter. Criteria: Invitae Variant Classification Sherloc (09022015). Collection method: clinical testing. Allele origin: germline.
Comment: This sequence change replaces leucine, which is neutral and non-polar, with proline, which is neutral and non-polar, at codon 242 of the CASR protein (p.Leu242Pro). This variant is not present in population databases (gnomAD no frequency). This variant has not been reported in the literature in individuals affected with CASR-related conditions. Invitae Evidence Modeling of clinical and family history, age, sex, and reported ancestry of multiple individuals with this CASR variant has been performed. This variant is expected to be pathogenic with a positive predictive value of at least 99%. This is a validated machine learning model that incorporates the clinical features of 646,172 individuals referred to our laboratory for CASR testing. ClinVar contains an entry for this variant (Variation ID: 1319285). An algorithm developed to predict the effect of missense changes on protein structure and function (PolyPhen-2) suggests that this variant is likely to be disruptive. In summary, the currently available evidence indicates that the variant is pathogenic, but additional data are needed to prove that conclusively. Therefore, this variant has been classified as Likely Pathogenic.

PreventionGenetics, part of Exact Sciences
Classification: Uncertain significance for CASR-related condition. Last evaluated: 2023-09-21. Review status: criteria provided, single submitter. Criteria: ACMG Guidelines, 2015. Collection method: clinical testing. Allele origin: germline.
Comment: The CASR c.725T>C variant is predicted to result in the amino acid substitution p.Leu242Pro. To our knowledge, this variant has not been reported in the literature or in a large population database, indicating this variant is rare. At this time, the clinical significance of this variant is uncertain due to the absence of conclusive functional and genetic evidence.

Women's Health and Genetics/Laboratory Corporation of America, LabCorp
Classification: Uncertain significance. Last evaluated: 2023-09-12. Review status: criteria provided, single submitter. Criteria: LabCorp Variant Classification Summary - May 2015. Collection method: clinical testing. Allele origin: germline.
Comment: Variant summary: CASR c.725T>C (p.Leu242Pro) results in a non-conservative amino acid change located in the Receptor, ligand binding region (IPR001828) of the encoded protein sequence. Five of five in-silico tools predict a damaging effect of the variant on protein function. The variant was absent in 251274 control chromosomes. The available data on variant occurrences in the general population are insufficient to allow any conclusion about variant significance. To our knowledge, no occurrence of c.725T>C in individuals affected with Autosomal Dominant Hypocalcemia and no experimental evidence demonstrating its impact on protein function have been reported. Three submitters have cited clinical-significance assessments for this variant to ClinVar after 2014. All submitters classified the variant as uncertain significance. Based on the evidence outlined above, the variant was classified as uncertain significance.

Mayo Clinic Laboratories, Mayo Clinic
Classification: Uncertain significance. Last evaluated: 2022-09-27. Review status: criteria provided, single submitter. Criteria: ACMG Guidelines, 2015. Collection method: clinical testing. Allele origin: germline. Observed: 1 variant allele.
Comment: PP2, PP3, PM2_supporting

Institute for Clinical Genetics, University Hospital TU Dresden, University Hospital TU Dresden
Classification: Uncertain significance. Last evaluated: 2021-11-03. Review status: criteria provided, single submitter. Criteria: ACMG Guidelines, 2015. Collection method: clinical testing. Allele origin: germline.

Ambry Genetics
Classification: Uncertain significance for Nephrolithiasis/nephrocalcinosis. Last evaluated: 2019-03-18. Review status: criteria provided, single submitter. Criteria: Ambry Variant Classification Scheme 2023. Collection method: clinical testing. Allele origin: germline.
Comment: The p.L242P variant (also known as c.725T>C), located in coding exon 3 of the CASR gene, results from a T to C substitution at nucleotide position 725. The leucine at codon 242 is replaced by proline, an amino acid with similar properties. This amino acid position is well conserved in available vertebrate species. In addition, this alteration is predicted to be deleterious by in silico analysis. Since supporting evidence is limited at this time, the clinical significance of this alteration remains unclear.